The following is an entry in ClinVar:

ClinVar aggregate classification (germline): Likely benign. Review status: criteria provided, multiple submitters, no conflicts (2 of 4 stars). 2 submissions from 2 submitters: Likely benign (2). Last evaluated 2026-01-09.

Conditions:
Nemaline myopathy 2 (NEM2). Also called: Nemaline myopathy 2, autosomal recessive. Identifiers: MedGen C1850569, MONDO:0009725, OMIM 256030.

Allele frequency attached by ClinVar (database versions not stated): gnomAD exomes 0.00001 and 0.00004; TOPMed 0.00001; ExAC 0.00002; gnomAD 0.00002.

Submissions (2):

Labcorp Genetics (formerly Invitae), Labcorp
Classification: Likely benign for Nemaline myopathy 2. Last evaluated: 2026-01-09. Review status: criteria provided, single submitter. Criteria: Invitae Variant Classification Sherloc (09022015). Collection method: clinical testing. Allele origin: germline.

GeneDx
Classification: Likely benign. Last evaluated: 2016-03-18. Review status: criteria provided, single submitter. Criteria: GeneDx Variant Classification (06012015). Collection method: clinical testing. Allele origin: germline. Affected: yes.
Comment: This variant is considered likely benign or benign based on one or more of the following criteria: it is a conservative change, it occurs at a poorly conserved position in the protein, it is predicted to be benign by multiple in silico algorithms, and/or has population frequency not consistent with disease.

NM_001164508.2(NEB):c.9619-20C>T

Gene: NEB (nebulin; minus strand). Cytogenetic location: 2q23.3.
Variant type: single nucleotide variant.
Coding change: c.9619-20C>T on transcript NM_001164508.2 (MANE Select); 20 bases into the intron before coding-DNA position 9619, C replaced by T.
Molecular consequence: intron variant.
Genome position (GRCh38, 1-based): chr2:151,630,839, G>A on the plus strand (C>T on the coding strand, the complement: NEB is on the minus strand). VCF-style: chr2-151630839-G-A. GRCh37 (hg19) VCF-style: chr2-152487353-G-A.
Other names: c.8890-20C>T (NM_004543.5); c.9619-20C>T (NM_001164507.2, NM_001271208.2).
Identifiers: ClinVar variation 384430 (VCV000384430.4), dbSNP rs778867943, ClinGen allele CA1909257.